The following is an entry in ClinVar:

ClinVar aggregate classification (germline): Conflicting classifications of pathogenicity. Review status: criteria provided, conflicting classifications (1 of 4 stars). 6 submissions from 6 submitters: Uncertain significance (1); Benign (1); Likely benign (2). 2 of the submissions do not count toward it. Last evaluated 2026-01-16.

Conditions:
Hermansky-Pudlak syndrome (HPS). Also called: ALBINISM WITH HEMORRHAGIC DIATHESIS AND PIGMENTED RETICULOENDOTHELIAL CELLS. Identifiers: Orphanet 79430, MedGen C0079504, MONDO:0019312.
Hermansky-Pudlak syndrome 3 (HPS3). Identifiers: Orphanet 231512, Orphanet 79430, MedGen C3888001, MONDO:0013555, OMIM 614072.
HPS3-related disorder. Also called: HPS3-related condition.

Allele frequency attached by ClinVar (database versions not stated): ESP Exome Variant Server 0.00038; gnomAD 0.00055 and 0.00060; TOPMed 0.00061; ExAC 0.00068; gnomAD exomes 0.00087.
gnomAD v4.1: 744 of 1,613,616 alleles (0.046%); highest among the groups gnomAD compares: Admixed American, 0.015%; 6 homozygotes.

Submissions (6):

Labcorp Genetics (formerly Invitae), Labcorp
Classification: Benign. Last evaluated: 2026-01-16. Review status: criteria provided, single submitter. Criteria: Invitae Variant Classification Sherloc (09022015). Collection method: clinical testing. Allele origin: germline.

Blueprint Genetics
Classification: Likely benign. Last evaluated: 2024-11-22. Review status: criteria provided, single submitter. Criteria: ACMG Guidelines, 2015. Collection method: clinical testing. Allele origin: germline.

Illumina Laboratory Services, Illumina
Classification: Uncertain significance for Hermansky-Pudlak syndrome 3. Last evaluated: 2018-01-13. Review status: criteria provided, single submitter. Criteria: ICSL Variant Classification Criteria 13 December 2019. Collection method: clinical testing. Allele origin: germline.

Laboratory for Molecular Medicine, Mass General Brigham Personalized Medicine
Classification: Likely benign. Last evaluated: 2016-06-21. Review status: criteria provided, single submitter. Criteria: LMM Criteria. Collection method: clinical testing. Allele origin: germline. Observed: 1 variant allele.
Comment: p.His384His in exon 5 of HPS3: This variant is not expected to have clinical sig nificance because it does not alter an amino acid residue and is not located wit hin the splice consensus sequence. It has been identified in 0.1% (80/66738) of European chromosomes including 1 homozygote by the Exome Aggregation Consortium (ExAC; dbSNP rs113381494).

PreventionGenetics, part of Exact Sciences
Classification: Benign for HPS3-related condition. Last evaluated: 2024-06-22. Review status: no assertion criteria provided. Collection method: clinical testing. Allele origin: germline. Not counted in ClinVar's aggregate classification.
Comment: This variant is classified as benign based on ACMG/AMP sequence variant interpretation guidelines (Richards et al. 2015 PMID: 25741868, with internal and published modifications).

Natera, Inc.
Classification: Benign for Hermansky-Pudlak syndrome. Last evaluated: 2019-10-22. Review status: no assertion criteria provided. Collection method: clinical testing. Allele origin: germline. Not counted in ClinVar's aggregate classification.

NM_032383.5(HPS3):c.1152C>T (p.His384=)

Gene: HPS3 (HPS3 biogenesis of lysosomal organelles complex 2 subunit 1; plus strand). Cytogenetic location: 3q24.
Variant type: single nucleotide variant.
Coding change: c.1152C>T on transcript NM_032383.5 (MANE Select); coding-DNA position 1152, C replaced by T.
Protein change: p.His384=; no amino-acid change (histidine 384 retained).
Molecular consequence: synonymous variant.
Genome position (GRCh38, 1-based): chr3:149,145,535, C>T. VCF-style: chr3-149145535-C-T. GRCh37 (hg19) VCF-style: chr3-148863322-C-T.
Other names: c.657C>T, p.His219= (NM_001308258.2).
Identifiers: ClinVar variation 343701 (VCV000343701.21), dbSNP rs113381494, ClinGen allele CA2660005.